The following is an entry in ClinVar:

NM_000377.3(WAS):c.456A>C (p.Gln152His)

Gene: WAS (WASP actin nucleation promoting factor; plus strand). Cytogenetic location: Xp11.23.
Variant type: single nucleotide variant.
Coding change: c.456A>C on transcript NM_000377.3 (MANE Select); coding-DNA position 456, A replaced by C.
Protein change: p.Gln152His; replaces glutamine 152 with histidine.
Molecular consequence: missense variant.
Genome position (GRCh38, 1-based): chrX:48,685,829, A>C. VCF-style: chrX-48685829-A-C. GRCh37 (hg19) VCF-style: chrX-48544218-A-C.
Other names: short protein forms Q152H.
Identifiers: ClinVar variation 3755900 (VCV003755900.2).

ClinVar aggregate classification (germline): Uncertain significance (1 of 4 stars; one submission).

Conditions:
Thrombocytopenia 1. Also called: THROMBOCYTOPENIA, X-LINKED, 1; X-Linked Thrombocytopenia (XLT); X-linked thrombocytopenia with normal platelets. Identifiers: Orphanet 268322, Orphanet 852, MedGen C1839163, MONDO:0010743, OMIM 313900.
Wiskott-Aldrich syndrome (WAS). Also called: ALDRICH SYNDROME; IMMUNODEFICIENCY 2; WISKOTT-ALDRICH SYNDROME 1; Wiskott-aldrich syndrome, somatic. Identifiers: Orphanet 906, MedGen C0043194, MONDO:0010518, OMIM 301000.
X-linked severe congenital neutropenia (SCNX). Identifiers: Orphanet 86788, MedGen C1845987, MONDO:0010294, OMIM 300299.

Submission:

Labcorp Genetics (formerly Invitae), Labcorp
Classification: Uncertain significance for Wiskott-Aldrich syndrome; X-linked severe congenital neutropenia; Thrombocytopenia 1. Last evaluated: 2024-07-04. Review status: criteria provided, single submitter. Criteria: Invitae Variant Classification Sherloc (09022015). Collection method: clinical testing. Allele origin: germline.
Comment: This sequence change replaces glutamine, which is neutral and polar, with histidine, which is basic and polar, at codon 152 of the WAS protein (p.Gln152His). This variant is not present in population databases (gnomAD no frequency). This variant has not been reported in the literature in individuals affected with WAS-related conditions. Advanced modeling of protein sequence and biophysical properties (such as structural, functional, and spatial information, amino acid conservation, physicochemical variation, residue mobility, and thermodynamic stability) performed at Invitae indicates that this missense variant is not expected to disrupt WAS protein function with a negative predictive value of 80%. In summary, the available evidence is currently insufficient to determine the role of this variant in disease. Therefore, it has been classified as a Variant of Uncertain Significance.